The following is an entry in ClinVar:

ClinVar aggregate classification (germline): Uncertain significance. Review status: criteria provided, multiple submitters, no conflicts (2 of 4 stars). 2 submissions from 2 submitters: Uncertain significance (2). Last evaluated 2024-01-03.

Conditions:
Charcot-Marie-Tooth Neuropathy X. Identifiers: MedGen CN118851.

Submissions (2):

Labcorp Genetics (formerly Invitae), Labcorp
Classification: Uncertain significance for Charcot-Marie-Tooth Neuropathy X. Last evaluated: 2024-01-03. Review status: criteria provided, single submitter. Criteria: Invitae Variant Classification Sherloc (09022015). Collection method: clinical testing. Allele origin: germline.
Comment: This sequence change replaces tyrosine, which is neutral and polar, with cysteine, which is neutral and slightly polar, at codon 243 of the GJB1 protein (p.Tyr243Cys). This variant is not present in population databases (gnomAD no frequency). This variant has not been reported in the literature in individuals affected with GJB1-related conditions. ClinVar contains an entry for this variant (Variation ID: 1326578). Algorithms developed to predict the effect of missense changes on protein structure and function output the following: SIFT: "Not Available"; PolyPhen-2: "Benign"; Align-GVGD: "Not Available". The cysteine amino acid residue is found in multiple mammalian species, which suggests that this missense change does not adversely affect protein function. In summary, the available evidence is currently insufficient to determine the role of this variant in disease. Therefore, it has been classified as a Variant of Uncertain Significance.

GeneDx
Classification: Uncertain significance. Last evaluated: 2021-11-24. Review status: criteria provided, single submitter. Criteria: GeneDx Variant Classification Process June 2021. Collection method: clinical testing. Allele origin: germline. Affected: yes.
Comment: Not observed at significant frequency in large population cohorts (Lek et al., 2016); Missense variants in this gene are often considered pathogenic (Stenson et al., 2014); In silico analysis supports that this missense variant does not alter protein structure/function; Has not been previously published as pathogenic or benign to our knowledge

NM_000166.6(GJB1):c.728A>G (p.Tyr243Cys)

Gene: GJB1 (gap junction protein beta 1; plus strand). Cytogenetic location: Xq13.1.
Variant type: single nucleotide variant.
Coding change: c.728A>G on transcript NM_000166.6 (MANE Select); coding-DNA position 728, A replaced by G.
Protein change: p.Tyr243Cys; replaces tyrosine 243 with cysteine.
Molecular consequence: missense variant.
Genome position (GRCh38, 1-based): chrX:71,224,435, A>G. VCF-style: chrX-71224435-A-G. GRCh37 (hg19) VCF-style: chrX-70444285-A-G.
Other names: c.728A>G, p.Tyr243Cys (NM_001097642.3); short protein forms Y243C.
Identifiers: ClinVar variation 1326578 (VCV001326578.5), dbSNP rs2147947218, ClinGen allele CA413503765.